The following is an entry in ClinVar:

NM_001406511.1(ATP7B):c.-54-69_-54-68insCCGCT

Gene: ATP7B (ATPase copper transporting beta; minus strand). Cytogenetic location: 13q14.3.
Variant type: Insertion.
Coding change: c.-54-69_-54-68insCCGCT on transcript NM_001406511.1; 69 bases into the intron before 54 bases upstream of the start codon through 68 bases into the intron before 54 bases upstream of the start codon, CCGCT inserted.
Molecular consequence: intron variant. On other transcripts: 5 prime UTR variant (2).
Genome position: GRCh38 VCF-style: chr13-52011459-C-CGCGGA. GRCh37 (hg19) VCF-style: chr13-52585595-C-CGCGGA.
Other names: c.-123_-122insTCCGC (NM_001406528.1, NM_001406532.1); c.-54-69_-54-68insCCGCT (NM_001406541.1, NM_001406531.1, NM_001406527.1 and 6 more transcripts); c.-183-69_-183-68insCCGCT (NM_001406543.1).
Identifiers: ClinVar variation 5004521 (VCV005004521.1).

ClinVar aggregate classification (germline): Uncertain significance (1 of 4 stars; one submission).

Conditions:
Wilson disease (WND). Also called: Wilson's disease. Identifiers: Orphanet 905, MedGen C0019202, MONDO:0010200, OMIM 277900. Disease mechanism: loss of function.

Submission:

Myriad Genetics, Inc.
Classification: Uncertain significance for Wilson disease. Last evaluated: 2026-03-06. Review status: criteria provided, single submitter. Criteria: Myriad Autosomal Dominant, Autosomal Recessive and X-Linked Classification Criteria (2023). Collection method: clinical testing. Allele origin: unknown.
Comment: NM_000053.3(ATP7B):c.-123_-122ins5 is a 5' non-coding variant classified as a variant of uncertain significance in the context of Wilson disease. c.-123_-122ins5 has not been observed in cases with relevant disease. Relevant functional assessments of this variant are not available in the literature. c.-123_-122ins5 has not been observed in referenced population frequency databases. In summary, there is insufficient evidence to classify NM_000053.3(ATP7B):c.-123_-122ins5 as pathogenic or benign. Please note: this variant was assessed in the context of healthy population screening.